The following is an entry in ClinVar:

NM_014252.4(SLC25A15):c.883A>G (p.Met295Val)

Gene: SLC25A15 (solute carrier family 25 member 15; plus strand). Cytogenetic location: 13q14.11.
Variant type: single nucleotide variant.
Coding change: c.883A>G on transcript NM_014252.4 (MANE Select); coding-DNA position 883, A replaced by G.
Protein change: p.Met295Val; replaces methionine 295 with valine.
Molecular consequence: missense variant.
Genome position (GRCh38, 1-based): chr13:40,809,644, A>G. VCF-style: chr13-40809644-A-G. GRCh37 (hg19) VCF-style: chr13-41383780-A-G.
Other names: short protein forms M295V.
Identifiers: ClinVar variation 2825162 (VCV002825162.3), dbSNP rs2546923512, ClinGen allele CA387905170.

ClinVar aggregate classification (germline): Uncertain significance (1 of 4 stars; one submission).

Conditions:
Hyperornithinemia-hyperammonemia-homocitrullinuria syndrome (HHHS). Also called: HHH SYNDROME; Ornithine translocase deficiency. Identifiers: Orphanet 415, MedGen C0268540, MONDO:0009393, OMIM 238970.

Submission:

Labcorp Genetics (formerly Invitae), Labcorp
Classification: Uncertain significance for Hyperornithinemia-hyperammonemia-homocitrullinuria syndrome. Last evaluated: 2022-12-31. Review status: criteria provided, single submitter. Criteria: Invitae Variant Classification Sherloc (09022015). Collection method: clinical testing. Allele origin: germline.
Comment: This sequence change replaces methionine, which is neutral and non-polar, with valine, which is neutral and non-polar, at codon 295 of the SLC25A15 protein (p.Met295Val). In summary, the available evidence is currently insufficient to determine the role of this variant in disease. Therefore, it has been classified as a Variant of Uncertain Significance. Advanced modeling of protein sequence and biophysical properties (such as structural, functional, and spatial information, amino acid conservation, physicochemical variation, residue mobility, and thermodynamic stability) has been performed at Invitae for this missense variant, however the output from this modeling did not meet the statistical confidence thresholds required to predict the impact of this variant on SLC25A15 protein function. This variant has not been reported in the literature in individuals affected with SLC25A15-related conditions. This variant is not present in population databases (gnomAD no frequency).